The following is an entry in ClinVar:

ClinVar aggregate classification (germline): Uncertain significance (1 of 4 stars; one submission).

Conditions:
Inborn genetic diseases. Identifiers: MedGen C0950123, MeSH D030342.

Submission:

Ambry Genetics
Classification: Uncertain significance for Inborn genetic diseases. Last evaluated: 2025-07-28. Review status: criteria provided, single submitter. Criteria: Ambry Variant Classification Scheme 2023. Collection method: clinical testing. Allele origin: germline.
Comment: The p.F358L variant (also known as c.1074C>G), located in coding exon 5 of the SH2B3 gene, results from a C to G substitution at nucleotide position 1074. The phenylalanine at codon 358 is replaced by leucine, an amino acid with highly similar properties. This amino acid position is conserved. In addition, this alteration is predicted to be tolerated by in silico analysis. Based on the available evidence, the clinical significance of this variant remains unclear.

NM_005475.3(SH2B3):c.1074C>G (p.Phe358Leu)

Gene: SH2B3 (SH2B adaptor protein 3; plus strand). Cytogenetic location: 12q24.12.
Variant type: single nucleotide variant.
Coding change: c.1074C>G on transcript NM_005475.3 (MANE Select); coding-DNA position 1074, C replaced by G.
Protein change: p.Phe358Leu; replaces phenylalanine 358 with leucine.
Molecular consequence: missense variant.
Genome position (GRCh38, 1-based): chr12:111,447,382, C>G. VCF-style: chr12-111447382-C-G. GRCh37 (hg19) VCF-style: chr12-111885186-C-G.
Other names: c.468C>G, p.Phe156Leu (NM_001291424.1); short protein forms F156L, F358L.
Identifiers: ClinVar variation 4163963 (VCV004163963.1).
Genomic context (GRCh38, chr12:111,447,382, plus strand): 5'-TCTAACAGGTGCTTCTCCTGGGGGGCTGCTGGACCCGGCCTGCCAGAAGACGGACCATTT[C>G]CTGTCCTGCTACCCCTGGTTCCACGGCCCCATCTCCAGAGTGAAAGCAGCTCAGCTGGTT-3'
Protein context (NP_005466.1, residues 348-368): LDPACQKTDH[Phe358Leu]LSCYPWFHGP